The following is an entry in ClinVar:

NM_004304.5(ALK):c.3946G>T (p.Gly1316Ter)

Gene: ALK (ALK receptor tyrosine kinase; minus strand). Cytogenetic location: 2p23.2.
Variant type: single nucleotide variant.
Coding change: c.3946G>T on transcript NM_004304.5 (MANE Select); coding-DNA position 3946, G replaced by T.
Protein change: p.Gly1316Ter; replaces glycine 1316 with a stop codon.
Molecular consequence: nonsense.
Genome position (GRCh38, 1-based): chr2:29,197,669, C>A on the plus strand (G>T on the coding strand, the complement: ALK is on the minus strand). VCF-style: chr2-29197669-C-A. GRCh37 (hg19) VCF-style: chr2-29420535-C-A.
Other names: c.742G>T, p.Gly248Ter (NM_001353765.2); short protein forms G248*, G1316*.
Identifiers: ClinVar variation 2770919 (VCV002770919.3), dbSNP rs2148143653, ClinGen allele CA346466493.

ClinVar aggregate classification (germline): Uncertain significance (1 of 4 stars; one submission).

Conditions:
Neuroblastoma, susceptibility to, 3. Also called: ALK-Related Neuroblastic Tumor Susceptibility. Identifiers: Orphanet 635, MedGen C2751681, MONDO:0013083, OMIM 613014.

Submission:

Labcorp Genetics (formerly Invitae), Labcorp
Classification: Uncertain significance for Neuroblastoma, susceptibility to, 3. Last evaluated: 2023-10-22. Review status: criteria provided, single submitter. Criteria: Invitae Variant Classification Sherloc (09022015). Collection method: clinical testing. Allele origin: germline.
Comment: This sequence change creates a premature translational stop signal (p.Gly1316*) in the ALK gene. It is expected to result in an absent or disrupted protein product. However, the current clinical and genetic evidence is not sufficient to establish whether loss-of-function variants in ALK cause disease. This variant is not present in population databases (gnomAD no frequency). This variant has not been reported in the literature in individuals affected with ALK-related conditions. Algorithms developed to predict the effect of sequence changes on RNA splicing suggest that this variant may disrupt the consensus splice site. In summary, the available evidence is currently insufficient to determine the role of this variant in disease. Therefore, it has been classified as a Variant of Uncertain Significance.